The following is an entry in ClinVar:

NM_024884.3(L2HGDH):c.1082C>A (p.Ala361Glu)

Gene: L2HGDH (L-2-hydroxyglutarate dehydrogenase; minus strand). Cytogenetic location: 14q21.3.
Variant type: single nucleotide variant.
Coding change: c.1082C>A on transcript NM_024884.3 (MANE Select); coding-DNA position 1082, C replaced by A.
Protein change: p.Ala361Glu; replaces alanine 361 with glutamic acid.
Molecular consequence: missense variant.
Genome position (GRCh38, 1-based): chr14:50,265,472, G>T on the plus strand (C>A on the coding strand, the complement: L2HGDH is on the minus strand). VCF-style: chr14-50265472-G-T. GRCh37 (hg19) VCF-style: chr14-50732190-G-T.
Other names: short protein forms A361E.
Identifiers: ClinVar variation 1716639 (VCV001716639.5), dbSNP rs2503494566, ClinGen allele CA389648646.
Genomic context (GRCh38, chr14:50,265,472, plus strand): 5'-GTTGCACCAAGAAAACATGCTTTATACATTTCAGTAACTCCATAGGAAAAATTCTGGGAT[G>T]CCAGTTTAATCAAGCCACTGAAAACAGAGAAAAAAAATCTTTATGAGAGAAAGGAATTCT-3'
Protein context (NP_079160.1, residues 351-371): IIINSGLIKL[Ala361Glu]SQNFSYGVTE

ClinVar aggregate classification (germline): Uncertain significance (1 of 4 stars; one submission).

Conditions:
L-2-hydroxyglutaric aciduria (L2HGA). Identifiers: Orphanet 79314, MedGen C1855995, MONDO:0009370, OMIM 236792, HP:0040144.

Submission:

Labcorp Genetics (formerly Invitae), Labcorp
Classification: Uncertain significance for L-2-hydroxyglutaric aciduria. Last evaluated: 2022-08-17. Review status: criteria provided, single submitter. Criteria: Invitae Variant Classification Sherloc (09022015). Collection method: clinical testing. Allele origin: germline.
Comment: This sequence change replaces alanine, which is neutral and non-polar, with glutamic acid, which is acidic and polar, at codon 361 of the L2HGDH protein (p.Ala361Glu). In summary, the available evidence is currently insufficient to determine the role of this variant in disease. Therefore, it has been classified as a Variant of Uncertain Significance. Algorithms developed to predict the effect of missense changes on protein structure and function are either unavailable or do not agree on the potential impact of this missense change (SIFT: "Deleterious"; PolyPhen-2: "Possibly Damaging"; Align-GVGD: "Class C15"). This variant has not been reported in the literature in individuals affected with L2HGDH-related conditions. This variant is not present in population databases (gnomAD no frequency).